The following is an entry in ClinVar:

NM_002016.2(FLG):c.1363C>A (p.Arg455Ser)

Genes: CCDST (cervical cancer associated DHX9 suppressive transcript; plus strand), FLG (filaggrin; minus strand). Cytogenetic location: 1q21.3.
Variant type: single nucleotide variant.
Coding change: c.1363C>A on transcript NM_002016.2 (MANE Select); coding-DNA position 1363, C replaced by A.
Protein change: p.Arg455Ser; replaces arginine 455 with serine.
Molecular consequence: missense variant. On other transcripts: non-coding transcript variant (1).
Genome position (GRCh38, 1-based): chr1:152,313,523, G>T on the plus strand (C>A on the coding strand, the complement: FLG is on the minus strand). VCF-style: chr1-152313523-G-T. GRCh37 (hg19) VCF-style: chr1-152285999-G-T.
Other names: short protein forms R455S.
Identifiers: ClinVar variation 3771579 (VCV003771579.13).

ClinVar aggregate classification (germline): Uncertain significance (1 of 4 stars; one submission).

gnomAD v4.1: 14 of 1,613,826 alleles (0.00087%); highest among the groups gnomAD compares: East Asian, 0.016%; no homozygotes.

Submission:

CeGaT Center for Human Genetics Tuebingen
Classification: Uncertain significance. Last evaluated: 2024-12-01. Review status: criteria provided, single submitter. Criteria: CeGaT Center For Human Genetics Tuebingen Variant Classification Criteria Version 2. Collection method: clinical testing. Allele origin: germline. Affected: yes. Observed: 1 variant allele.
Comment: FLG: PM2, BP4